The following is an entry in ClinVar:

ClinVar aggregate classification (germline): Conflicting classifications of pathogenicity. Review status: criteria provided, conflicting classifications (1 of 4 stars). 4 submissions from 4 submitters: Uncertain significance (1); Likely benign (1). 2 of the submissions do not count toward it. Last evaluated 2025-11-24.

Conditions:
CREBBP-related disorder. Also called: CREBBP-related disorders; CREBBP-related condition.
Rubinstein-Taybi syndrome (RSTS). Identifiers: Orphanet 783, MedGen C0035934, MONDO:0019188.
Menke-Hennekam syndrome 1 (MKHK1). Identifiers: MedGen C5193034, MONDO:0020763, OMIM 618332.
Rubinstein-Taybi syndrome due to CREBBP mutations (RSTS1). Also called: RUBINSTEIN-TAYBI SYNDROME 1, INCOMPLETE; BROAD THUMBS AND GREAT TOES, CHARACTERISTIC FACIES, AND IMPAIRED INTELLECTUAL DEVELOPMENT; Rubinstein-Taybi syndrome 1; BROAD THUMB-HALLUX SYNDROME; CREBBP-Related Rubinstein-Taybi Syndrome; RUBINSTEIN SYNDROME. Identifiers: Orphanet 353277, Orphanet 783, MedGen C4551859, MONDO:0008393, OMIM 180849.

Allele frequency attached by ClinVar (database versions not stated): ExAC 0.00001; gnomAD 0.00002; gnomAD exomes 0.00002; TOPMed 0.00002; ESP Exome Variant Server 0.00008.
gnomAD v4.1: 24 of 1,613,358 alleles (0.0015%); highest among the groups gnomAD compares: Non-Finnish European, 0.0018%; no homozygotes.

Submissions (4):

Labcorp Genetics (formerly Invitae), Labcorp
Classification: Likely benign for Rubinstein-Taybi syndrome. Last evaluated: 2025-11-24. Review status: criteria provided, single submitter. Criteria: Invitae Variant Classification Sherloc (09022015). Collection method: clinical testing. Allele origin: germline.

Fulgent Genetics
Classification: Uncertain significance for Rubinstein-Taybi syndrome due to CREBBP mutations; Menke-Hennekam syndrome 1. Last evaluated: 2024-01-31. Review status: criteria provided, single submitter. Criteria: ACMG Guidelines, 2015. Collection method: clinical testing. Allele origin: germline.

PreventionGenetics, part of Exact Sciences
Classification: Uncertain significance for CREBBP-related condition. Last evaluated: 2024-05-06. Review status: no assertion criteria provided. Collection method: clinical testing. Allele origin: germline. Not counted in ClinVar's aggregate classification.
Comment: The CREBBP c.6658G>A variant is predicted to result in the amino acid substitution p.Gly2220Ser. This variant has been reported in a study about cancer-susceptibility genes in a healthy, ancestrally diverse cohort (Bodian et al. 2014. PubMed ID: 24728327). This variant is reported in 0.0048% of alleles in individuals of European (Non-Finnish) descent in gnomAD. Although we suspect that this variant may be benign, at this time, the clinical significance of this variant is uncertain due to the absence of conclusive functional and genetic evidence.

ITMI
No classification provided. Condition: AllHighlyPenetrant. Last evaluated: 2013-09-19. Review status: no classification provided. Collection method: reference population. Allele origin: germline. Not counted in ClinVar's aggregate classification.
Comment: Please see associated publication for description of ethnicities

Literature cited by the submitters: PubMed 24728327 (cited by ITMI).

NM_004380.3(CREBBP):c.6658G>A (p.Gly2220Ser)

Gene: CREBBP (CREB binding lysine acetyltransferase; minus strand). Cytogenetic location: 16p13.3.
Variant type: single nucleotide variant.
Coding change: c.6658G>A on transcript NM_004380.3 (MANE Select); coding-DNA position 6658, G replaced by A.
Protein change: p.Gly2220Ser; replaces glycine 2220 with serine.
Molecular consequence: missense variant.
Genome position (GRCh38, 1-based): chr16:3,728,389, C>T on the plus strand (G>A on the coding strand, the complement: CREBBP is on the minus strand). VCF-style: chr16-3728389-C-T. GRCh37 (hg19) VCF-style: chr16-3778390-C-T.
Other names: c.6658G>A (NM_004380.2); c.6544G>A, p.Gly2182Ser (NM_001079846.1); short protein forms G2220S, G2182S.
Identifiers: ClinVar variation 133940 (VCV000133940.7), dbSNP rs141184151, ClinGen allele CA158199.